The following is an entry in ClinVar:

ClinVar aggregate classification (germline): Uncertain significance (1 of 4 stars; one submission).

Conditions:
Congenital bilateral aplasia of vas deferens from CFTR mutation (CBAVD). Identifiers: Orphanet 48, MedGen C0403814, MONDO:0010178, OMIM 277180. Disease mechanism: loss of function.

Allele frequency attached by ClinVar (database versions not stated): gnomAD exomes below 0.00001.
gnomAD v4.1: 1 of 1,110,960 alleles (0.00009%); highest among the groups gnomAD compares: Middle Eastern, 0.021%; no homozygotes.

Submission:

Baylor Genetics
Classification: Uncertain significance for Congenital bilateral aplasia of vas deferens from CFTR mutation. Last evaluated: 2019-09-02. Review status: criteria provided, single submitter. Criteria: ACMG Guidelines, 2015. Collection method: clinical testing. Allele origin: unknown. Affected: yes.
Comment: This variant was determined to be of uncertain significance according to ACMG Guidelines, 2015 [PMID:25741868].

NM_000492.4(CFTR):c.490-25A>G

Gene: CFTR (CF transmembrane conductance regulator; plus strand). Cytogenetic location: 7q31.2.
Variant type: single nucleotide variant.
Coding change: c.490-25A>G on transcript NM_000492.4 (MANE Select); 25 bases into the intron before coding-DNA position 490, A replaced by G.
Molecular consequence: intron variant.
Genome position (GRCh38, 1-based): chr7:117,534,251, A>G. VCF-style: chr7-117534251-A-G. GRCh37 (hg19) VCF-style: chr7-117174305-A-G.
Identifiers: ClinVar variation 1029876 (VCV001029876.1), dbSNP rs1798909647, ClinGen allele CA1737361683.